The following is an entry in ClinVar:

ClinVar aggregate classification (germline): Uncertain significance (1 of 4 stars; one submission).

gnomAD v4.1: 4 of 1,614,068 alleles (0.00025%); highest among the groups gnomAD compares: Non-Finnish European, 0.00034%; no homozygotes.

Submission:

Labcorp Genetics (formerly Invitae), Labcorp
Classification: Uncertain significance. Last evaluated: 2022-10-05. Review status: criteria provided, single submitter. Criteria: Invitae Variant Classification Sherloc (09022015). Collection method: clinical testing. Allele origin: germline.
Comment: In summary, the available evidence is currently insufficient to determine the role of this variant in disease. Therefore, it has been classified as a Variant of Uncertain Significance. Algorithms developed to predict the effect of sequence changes on RNA splicing suggest that this variant may disrupt the consensus splice site. This variant has not been reported in the literature in individuals affected with SLC17A8-related conditions. This variant is not present in population databases (gnomAD no frequency). This sequence change affects an acceptor splice site in intron 8 of the SLC17A8 gene. It is expected to disrupt RNA splicing. Variants that disrupt the donor or acceptor splice site typically lead to a loss of protein function (PMID: 16199547), however the current clinical and genetic evidence is not sufficient to establish whether loss-of-function variants in SLC17A8 cause disease.

Literature cited by the submitters: PubMed 16199547.

NM_139319.3(SLC17A8):c.1054-1G>C

Gene: SLC17A8 (solute carrier family 17 member 8; plus strand). Cytogenetic location: 12q23.1.
Variant type: single nucleotide variant.
Coding change: c.1054-1G>C on transcript NM_139319.3 (MANE Select); the canonical splice acceptor site of the intron before coding-DNA position 1054, G replaced by C.
Molecular consequence: splice acceptor variant.
Genome position (GRCh38, 1-based): chr12:100,404,037, G>C. VCF-style: chr12-100404037-G-C. GRCh37 (hg19) VCF-style: chr12-100797815-G-C.
Other names: c.904-1G>C (NM_001145288.2).
Identifiers: ClinVar variation 1929720 (VCV001929720.5), dbSNP rs768942980, ClinGen allele CA242342240.